The following is an entry in ClinVar:

ClinVar aggregate classification (germline): Uncertain significance. Review status: criteria provided, multiple submitters, no conflicts (2 of 4 stars). 6 submissions from 6 submitters: Uncertain significance (6). Last evaluated 2026-01-26.

Conditions:
Agammaglobulinemia 3, autosomal recessive (AGM3). Also called: AGAMMAGLOBULINEMIA 3; AGAMMAGLOBULINEMIA, AUTOSOMAL RECESSIVE, DUE TO CD79A DEFECT. Identifiers: MedGen C3150751, MONDO:0013288, OMIM 613501.

Allele frequency attached by ClinVar (database versions not stated): gnomAD exomes 0.00008 and 0.00015; ExAC 0.00011; gnomAD 0.00023 and 0.00024; TOPMed 0.00039; 1000 Genomes Project 0.00060; 1000 Genomes Project 30x 0.00062.
gnomAD v4.1: 157 of 1,613,070 alleles (0.0097%); highest among the groups gnomAD compares: Admixed American, 0.095%; no homozygotes.

Submissions (6):

Dasa
Classification: Uncertain significance. Last evaluated: 2026-01-26. Review status: criteria provided, single submitter. Criteria: DASA Assertion Criteria. Collection method: clinical testing. Allele origin: germline.
Comment: NM_001783.4(CD79A):c.134G>C (p.Ser45Thr) is a missense variant that results in the substitution of serine with threonine. This variant is rare in population databases. Computational prediction algorithms are consistent with a benign effect. The currently available literature and clinical evidence are not sufficient to establish a definitive association between this variant and the reported condition. Therefore, this variant is classified as a variant of uncertain significance.

Blueprint Genetics
Classification: Uncertain significance. Last evaluated: 2023-09-20. Review status: criteria provided, single submitter. Criteria: ACMG Guidelines, 2015. Collection method: clinical testing. Allele origin: germline.

Labcorp Genetics (formerly Invitae), Labcorp
Classification: Uncertain significance for Agammaglobulinemia 3, autosomal recessive. Last evaluated: 2022-10-05. Review status: criteria provided, single submitter. Criteria: Invitae Variant Classification Sherloc (09022015). Collection method: clinical testing. Allele origin: germline.
Comment: This sequence change replaces serine, which is neutral and polar, with threonine, which is neutral and polar, at codon 45 of the CD79A protein (p.Ser45Thr). This variant is present in population databases (rs199603062, gnomAD 0.07%). This variant has not been reported in the literature in individuals affected with CD79A-related conditions. ClinVar contains an entry for this variant (Variation ID: 839358). Algorithms developed to predict the effect of missense changes on protein structure and function (SIFT, PolyPhen-2, Align-GVGD) all suggest that this variant is likely to be tolerated. In summary, the available evidence is currently insufficient to determine the role of this variant in disease. Therefore, it has been classified as a Variant of Uncertain Significance.

Fulgent Genetics
Classification: Uncertain significance for Agammaglobulinemia 3, autosomal recessive. Last evaluated: 2022-04-05. Review status: criteria provided, single submitter. Criteria: ACMG Guidelines, 2015. Collection method: clinical testing. Allele origin: unknown.

New York Genome Center
Classification: Uncertain significance for Agammaglobulinemia 3, autosomal recessive. Last evaluated: 2021-10-07. Review status: criteria provided, single submitter. Criteria: NYGC Assertion Criteria 2020. Collection method: clinical testing. Allele origin: inherited. Observed: 1 heterozygote. Study: CSER-NYCKidSeq.

Baylor Genetics
Classification: Uncertain significance for Agammaglobulinemia 3, autosomal recessive. Last evaluated: 2018-07-31. Review status: criteria provided, single submitter. Criteria: ACMG Guidelines, 2015. Collection method: clinical testing. Allele origin: maternal. Affected: yes.
Comment: This variant was determined to be of uncertain significance according to ACMG Guidelines, 2015 [PMID:25741868].

NM_001783.4(CD79A):c.134G>C (p.Ser45Thr)

Genes: RPS19-CD79A (RPS19-CD79A readthrough; plus strand), CD79A (CD79a molecule; plus strand). Cytogenetic location: 19q13.2.
Variant type: single nucleotide variant.
Coding change: c.134G>C on transcript NM_001783.4 (MANE Select); coding-DNA position 134, G replaced by C.
Protein change: p.Ser45Thr; replaces serine 45 with threonine.
Molecular consequence: missense variant.
Genome position (GRCh38, 1-based): chr19:41,879,044, G>C. VCF-style: chr19-41879044-G-C. GRCh37 (hg19) VCF-style: chr19-42383114-G-C.
Other names: c.134G>C, p.Ser45Thr (NM_021601.4); short protein forms S45T.
Identifiers: ClinVar variation 839358 (VCV000839358.11), dbSNP rs199603062, ClinGen allele CA9465523.